The following is an entry in ClinVar:

ClinVar aggregate classification (germline): Uncertain significance (1 of 4 stars; one submission).

Conditions:
Familial thoracic aortic aneurysm and aortic dissection (TAAD). Also called: Thoracic aortic aneurysms and dissections. Identifiers: Orphanet 91387, MedGen C4707243, MONDO:0019625.

Submission:

Ambry Genetics
Classification: Uncertain significance for Familial thoracic aortic aneurysm and aortic dissection. Last evaluated: 2026-02-14. Review status: criteria provided, single submitter. Criteria: Ambry Variant Classification Scheme 2023. Collection method: clinical testing. Allele origin: germline.
Comment: The p.L310P variant (also known as c.929T>C), located in coding exon 7 of the COL5A1 gene, results from a T to C substitution at nucleotide position 929. The leucine at codon 310 is replaced by proline, an amino acid with similar properties. This amino acid position is conserved. In addition, this alteration is predicted to be tolerated by in silico analysis. Based on the available evidence, the clinical significance of this variant remains unclear.

NM_000093.5(COL5A1):c.929T>C (p.Leu310Pro)

Gene: COL5A1 (collagen type V alpha 1 chain; plus strand). Cytogenetic location: 9q34.3.
Variant type: single nucleotide variant.
Coding change: c.929T>C on transcript NM_000093.5 (MANE Select); coding-DNA position 929, T replaced by C.
Protein change: p.Leu310Pro; replaces leucine 310 with proline.
Molecular consequence: missense variant.
Genome position (GRCh38, 1-based): chr9:134,730,240, T>C. VCF-style: chr9-134730240-T-C. GRCh37 (hg19) VCF-style: chr9-137622086-T-C.
Other names: c.929T>C, p.Leu310Pro (NM_001278074.1); short protein forms L310P.
Identifiers: ClinVar variation 4843276 (VCV004843276.1).